The following is an entry in ClinVar:

ClinVar aggregate classification (germline): Uncertain significance (1 of 4 stars; one submission).

Conditions:
Nemaline myopathy 9 (NEM9). Identifiers: MedGen C3810384, MONDO:0014326, OMIM 615731.

gnomAD v4.1: 9 of 1,614,006 alleles (0.00056%); highest among the groups gnomAD compares: Admixed American, 0.0067%; no homozygotes.

Submission:

Labcorp Genetics (formerly Invitae), Labcorp
Classification: Uncertain significance for Nemaline myopathy 9. Last evaluated: 2022-08-10. Review status: criteria provided, single submitter. Criteria: Invitae Variant Classification Sherloc (09022015). Collection method: clinical testing. Allele origin: germline.
Comment: In summary, the available evidence is currently insufficient to determine the role of this variant in disease. Therefore, it has been classified as a Variant of Uncertain Significance. Algorithms developed to predict the effect of missense changes on protein structure and function (SIFT, PolyPhen-2, Align-GVGD) all suggest that this variant is likely to be disruptive. This variant has not been reported in the literature in individuals affected with KLHL41-related conditions. This variant is present in population databases (rs774827735, gnomAD 0.009%). This sequence change replaces glycine, which is neutral and non-polar, with aspartic acid, which is acidic and polar, at codon 290 of the KLHL41 protein (p.Gly290Asp).

NM_006063.3(KLHL41):c.869G>A (p.Gly290Asp)

Gene: KLHL41 (kelch like family member 41; plus strand). Cytogenetic location: 2q31.1.
Variant type: single nucleotide variant.
Coding change: c.869G>A on transcript NM_006063.3 (MANE Select); coding-DNA position 869, G replaced by A.
Protein change: p.Gly290Asp; replaces glycine 290 with aspartic acid.
Molecular consequence: missense variant.
Genome position (GRCh38, 1-based): chr2:169,510,647, G>A. VCF-style: chr2-169510647-G-A. GRCh37 (hg19) VCF-style: chr2-170367157-G-A.
Other names: short protein forms G290D.
Identifiers: ClinVar variation 1897563 (VCV001897563.5), dbSNP rs774827735, ClinGen allele CA1956571.
Genomic context (GRCh38, chr2:169,510,647, plus strand): 5'-CCGCGAAGACTGGGGCTGGTGAGGTGAATGGTGATGTTGGTGATGAAGATTTACTTCCTG[G>A]TTACCTGAATGACATTCCCAGGCATGGAATGTTTGTAAAAGACCTCATCCTCTTGGTTAA-3'
Protein context (NP_006054.2, residues 280-300): GDVGDEDLLP[Gly290Asp]YLNDIPRHGM